The following is an entry in ClinVar:

NM_001040108.2(MLH3):c.2945A>G (p.Lys982Arg)

Gene: MLH3 (mutL homolog 3; minus strand). Cytogenetic location: 14q24.3.
Variant type: single nucleotide variant.
Coding change: c.2945A>G on transcript NM_001040108.2 (MANE Select); coding-DNA position 2945, A replaced by G.
Protein change: p.Lys982Arg; replaces lysine 982 with arginine.
Molecular consequence: missense variant.
Genome position (GRCh38, 1-based): chr14:75,046,711, T>C on the plus strand (A>G on the coding strand, the complement: MLH3 is on the minus strand). VCF-style: chr14-75046711-T-C. GRCh37 (hg19) VCF-style: chr14-75513414-T-C.
Other names: c.2945A>G, p.Lys982Arg (NM_014381.3); short protein forms K982R.
Identifiers: ClinVar variation 2625654 (VCV002625654.2), dbSNP rs757416466, ClinGen allele CA7275609.

ClinVar aggregate classification (germline): Uncertain significance (1 of 4 stars; one submission).

Allele frequency attached by ClinVar (database versions not stated): gnomAD exomes below 0.00001; ExAC 0.00001.
gnomAD v4.1: 3 of 1,614,208 alleles (0.00019%); highest among the groups gnomAD compares: Non-Finnish European, 0.00025%; no homozygotes.

Submission:

Ambry Genetics
Classification: Uncertain significance. Last evaluated: 2023-07-29. Review status: criteria provided, single submitter. Criteria: Ambry Variant Classification Scheme 2023. Collection method: clinical testing. Allele origin: germline.
Comment: The p.K982R variant (also known as c.2945A>G), located in coding exon 1 of the MLH3 gene, results from an A to G substitution at nucleotide position 2945. The lysine at codon 982 is replaced by arginine, an amino acid with highly similar properties. This amino acid position is conserved. In addition, this alteration is predicted to be tolerated by in silico analysis. Since supporting evidence is limited at this time, the clinical significance of this alteration remains unclear.